The following is an entry in ClinVar:

NM_000277.3(PAH):c.127del (p.Glu43fs)

Gene: PAH (phenylalanine hydroxylase; minus strand). Cytogenetic location: 12q23.2.
Variant type: Deletion.
Coding change: c.127del on transcript NM_000277.3 (MANE Select); coding-DNA position 127, one base deleted (G; older notation c.127delG).
Protein change: p.Glu43fs; shifts the reading frame from glutamic acid 43.
Molecular consequence: frameshift variant.
Genome position (GRCh38, 1-based): chr12:102,912,832, C deleted on the plus strand (G on the coding strand, the reverse complement: PAH is on the minus strand). VCF-style (leftmost placement, unchanged base first): chr12-102912831-TC-T. GRCh37 (hg19) VCF-style: chr12-103306609-TC-T.
Other names: c.127del, p.Glu43fs (NM_001354304.2); short protein forms E43fs.
Identifiers: ClinVar variation 1380684 (VCV001380684.6), dbSNP rs2136728245, ClinGen allele CA2573147928.

ClinVar aggregate classification (germline): Pathogenic (1 of 4 stars; one submission).

Conditions:
Phenylketonuria (PKU). Also called: Phenylketonuria (PKU); FOLLING DISEASE; OLIGOPHRENIA PHENYLPYRUVICA; Phenylketonurias. Identifiers: Orphanet 716, MedGen C0031485, MONDO:0009861, OMIM 261600. Disease mechanism: loss of function.

Submission:

Labcorp Genetics (formerly Invitae), Labcorp
Classification: Pathogenic for Phenylketonuria. Last evaluated: 2020-11-02. Review status: criteria provided, single submitter. Criteria: Invitae Variant Classification Sherloc (09022015). Collection method: clinical testing. Allele origin: germline.
Comment: This sequence change creates a premature translational stop signal (p.Glu43Lysfs*18) in the PAH gene. It is expected to result in an absent or disrupted protein product. Loss-of-function variants in PAH are known to be pathogenic (PMID: 1301187, 9634518). This variant is not present in population databases (ExAC no frequency). This variant has not been reported in the literature in individuals with PAH-related conditions. For these reasons, this variant has been classified as Pathogenic.

Literature cited by the submitters: PubMed 1301187; PubMed 9634518.